The following is an entry in ClinVar:

NM_001287.6(CLCN7):c.2346G>C (p.Val782=)

Gene: CLCN7 (chloride voltage-gated channel 7; minus strand). Cytogenetic location: 16p13.3.
Variant type: single nucleotide variant.
Coding change: c.2346G>C on transcript NM_001287.6 (MANE Select); coding-DNA position 2346, G replaced by C.
Protein change: p.Val782=; no amino-acid change (valine 782 retained).
Molecular consequence: synonymous variant.
Genome position (GRCh38, 1-based): chr16:1,446,703, C>G on the plus strand (G>C on the coding strand, the complement: CLCN7 is on the minus strand). VCF-style: chr16-1446703-C-G. GRCh37 (hg19) VCF-style: chr16-1496704-C-G.
Other names: c.2274G>C, p.Val758= (NM_001114331.3).
Identifiers: ClinVar variation 3036284 (VCV003036284.2), dbSNP rs1200061529, ClinGen allele CA394184907.

ClinVar aggregate classification (germline): Likely benign (0 of 4 stars; one submission).

Conditions:
CLCN7-related disorder. Also called: CLCN7-related condition.

Allele frequency attached by ClinVar (database versions not stated): TOPMed below 0.00001.
gnomAD v4.1: 3 of 1,588,714 alleles (0.00019%); highest among the groups gnomAD compares: Admixed American, 0.0052%; no homozygotes.

Submission:

PreventionGenetics, part of Exact Sciences
Classification: Likely benign for CLCN7-related condition. Last evaluated: 2020-06-12. Review status: no assertion criteria provided. Collection method: clinical testing. Allele origin: germline.
Comment: This variant is classified as likely benign based on ACMG/AMP sequence variant interpretation guidelines (Richards et al. 2015 PMID: 25741868, with internal and published modifications).